The following is an entry in ClinVar:

NM_001371986.1(UNC80):c.8939-3T>C

Gene: UNC80 (unc-80 subunit of NALCN channel complex; plus strand). Cytogenetic location: 2q34.
Variant type: single nucleotide variant.
Coding change: c.8939-3T>C on transcript NM_001371986.1 (MANE Select); 3 bases into the intron before coding-DNA position 8939, T replaced by C.
Molecular consequence: intron variant.
Genome position (GRCh38, 1-based): chr2:209,978,526, T>C. VCF-style: chr2-209978526-T-C. GRCh37 (hg19) VCF-style: chr2-210843250-T-C.
Other names: c.8741-3T>C (NM_032504.2); c.8726-3T>C (NM_182587.4).
Identifiers: ClinVar variation 4881863 (VCV004881863.2).
Genomic context (GRCh38, chr2:209,978,526, plus strand): 5'-GACTTTGAAGTGGACATTTAAGATTCTCACCATGCATTTCCTTTGGTCTCTCGCATCCTC[T>C]AGCCTACCAAGGCAAGACATCCATCAGTACCGTGGGCACCTCCACCTCTGCTTACCGCCT-3'

ClinVar aggregate classification (germline): Uncertain significance (1 of 4 stars; one submission).

gnomAD v4.1: 2 of 1,537,932 alleles (0.00013%); highest among the groups gnomAD compares: Admixed American, 0.002%; no homozygotes.

Submission:

Dasa
Classification: Uncertain significance. Last evaluated: 2025-01-19. Review status: criteria provided, single submitter. Criteria: DASA Assertion Criteria. Collection method: clinical testing. Allele origin: germline.
Comment: NM_001371986.1(UNC80):c.8939-3T>C is a splice-region variant. This variant is rare in population databases. Computational prediction algorithms are consistent with a benign effect. The currently available literature and clinical evidence are not sufficient to establish a definitive association between this variant and the reported condition. Therefore, this variant is classified as a variant of uncertain significance.